The following is an entry in ClinVar:

ClinVar aggregate classification (germline): Pathogenic. Review status: criteria provided, multiple submitters, no conflicts (2 of 4 stars). 2 submissions from 2 submitters: Pathogenic (2). Last evaluated 2026-02-09.

Conditions:
PKHD1-related disorder. Also called: PKHD1-related condition.
Autosomal recessive polycystic kidney disease (ARPKD). Also called: AR polycystic kidney disease. Identifiers: Orphanet 731, Orphanet 8378, MedGen C0085548, MeSH D017044, MONDO:0009889.

Submissions (2):

PreventionGenetics, part of Exact Sciences
Classification: Pathogenic for PKHD1-related condition. Last evaluated: 2026-02-09. Review status: criteria provided, single submitter. Criteria: ACMG Guidelines, 2015. Collection method: clinical testing. Allele origin: germline.
Comment: The PKHD1 c.7465delT variant is predicted to result in a frameshift and premature protein termination (p.Ser2489Glnfs*12). To our knowledge, this variant has not been reported in the literature or in a large population database (gnomAD), indicating this variant is rare. Frameshift variants in PKHD1 are expected to be pathogenic. This variant is interpreted as pathogenic.

Labcorp Genetics (formerly Invitae), Labcorp
Classification: Pathogenic for Autosomal recessive polycystic kidney disease. Last evaluated: 2021-04-28. Review status: criteria provided, single submitter. Criteria: Invitae Variant Classification Sherloc (09022015). Collection method: clinical testing. Allele origin: germline.
Comment: For these reasons, this variant has been classified as Pathogenic. This variant has not been reported in the literature in individuals with PKHD1-related conditions. This variant is not present in population databases (ExAC no frequency). This sequence change creates a premature translational stop signal (p.Ser2489Glnfs*12) in the PKHD1 gene. It is expected to result in an absent or disrupted protein product. Loss-of-function variants in PKHD1 are known to be pathogenic (PMID: 19940839).

Literature cited by the submitters: PubMed 19940839 (cited by Labcorp Genetics (formerly Invitae), Labcorp).

NM_138694.4(PKHD1):c.7465del (p.Ser2489fs)

Gene: PKHD1 (PKHD1 ciliary IPT domain containing fibrocystin/polyductin; minus strand). Cytogenetic location: 6p12.2.
Variant type: Deletion.
Coding change: c.7465del on transcript NM_138694.4 (MANE Select); coding-DNA position 7465, one base deleted (T; older notation c.7465delT).
Protein change: p.Ser2489fs; shifts the reading frame from serine 2489.
Molecular consequence: frameshift variant.
Genome position (GRCh38, 1-based): chr6:51,870,525, A deleted on the plus strand (T on the coding strand, the reverse complement: PKHD1 is on the minus strand); the first of 2 consecutive A bases (chr6:51,870,525-51,870,526); deleting either gives the same sequence. VCF-style (leftmost placement, unchanged base first): chr6-51870524-GA-G. GRCh37 (hg19) VCF-style: chr6-51735322-GA-G.
Other names: c.7465del, p.Ser2489fs (NM_170724.3); c.7465delT (NM_138694.3); short protein forms S2489fs.
Identifiers: ClinVar variation 1439580 (VCV001439580.7), dbSNP rs2151777326, ClinGen allele CA2573140945.